The following is an entry in ClinVar:

NC_000023.10:g.(?_22112081)_(22117289_?)del

Gene: PHEX (phosphate regulating endopeptidase X-linked; plus strand). Cytogenetic location: Xp22.11.
Variant type: Deletion.
Identifiers: ClinVar variation 1458801 (VCV001458801.7).

ClinVar aggregate classification (germline): Pathogenic (1 of 4 stars; one submission).

Submission:

Labcorp Genetics (formerly Invitae), Labcorp
Classification: Pathogenic. Last evaluated: 2022-08-14. Review status: criteria provided, single submitter. Criteria: Invitae Variant Classification Sherloc (09022015). Collection method: clinical testing. Allele origin: germline.
Comment: For these reasons, this variant has been classified as Pathogenic. A similar copy number variant has been observed in individual(s) with hypophosphatemia (Invitae). This variant is a gross deletion of the genomic region encompassing exon(s) 7-9 of the PHEX gene. This deletion is out-of-frame, and is expected to create a premature termination codon and result in an absent or disrupted protein product. Loss-of-function variants in PHEX are known to be pathogenic (PMID: 9097956, 9106524, 19219621).

Literature cited by the submitters: PubMed 9097956; PubMed 9106524; PubMed 19219621.